The following is an entry in ClinVar:

NM_015915.5(ATL1):c.863-54A>G

Gene: ATL1 (atlastin GTPase 1; plus strand). Cytogenetic location: 14q22.1.
Variant type: single nucleotide variant.
Coding change: c.863-54A>G on transcript NM_015915.5 (MANE Select); 54 bases into the intron before coding-DNA position 863, A replaced by G.
Molecular consequence: intron variant.
Genome position (GRCh38, 1-based): chr14:50,620,545, A>G. VCF-style: chr14-50620545-A-G. GRCh37 (hg19) VCF-style: chr14-51087263-A-G.
Other names: c.863-54A>G (NM_001127713.1, NM_181598.4).
Identifiers: ClinVar variation 670500 (VCV000670500.5), dbSNP rs11157759, ClinGen allele CA13937615.

ClinVar aggregate classification (germline): Benign. Review status: criteria provided, multiple submitters, no conflicts (2 of 4 stars). 3 submissions from 3 submitters: Benign (3). Last evaluated 2021-07-14.

Conditions:
Hereditary spastic paraplegia 3A (SPG3A). Also called: SPASTIC PARAPLEGIA 3, AUTOSOMAL DOMINANT; FAMILIAL SPASTIC PARAPLEGIA, AUTOSOMAL DOMINANT, 1; SPG3; STRUMPELL DISEASE; Spastic Paraplegia 3A; Spastic paraplegia 3A, autosomal dominant. Identifiers: Orphanet 100984, MedGen C2931355, MONDO:0008437, OMIM 182600.

Allele frequency attached by ClinVar (database versions not stated): gnomAD 0.45951 and 0.46999; TOPMed 0.46461; 1000 Genomes Project 30x 0.49500; 1000 Genomes Project 0.50399; gnomAD exomes 0.54121.
gnomAD v4.1: 835,917 of 1,564,518 alleles (53%); highest among the groups gnomAD compares: East Asian, 73%; 229,732 homozygotes.

Submissions (3):

Genome-Nilou Lab
Classification: Benign for Hereditary spastic paraplegia 3A. Last evaluated: 2021-07-14. Review status: criteria provided, single submitter. Criteria: ACMG Guidelines, 2015. Collection method: clinical testing. Allele origin: germline. Affected: no.

GeneDx
Classification: Benign. Last evaluated: 2018-06-14. Review status: criteria provided, single submitter. Criteria: GeneDx Variant Classification (06012015). Collection method: clinical testing. Allele origin: germline. Affected: yes.
Comment: This variant is considered likely benign or benign based on one or more of the following criteria: it is a conservative change, it occurs at a poorly conserved position in the protein, it is predicted to be benign by multiple in silico algorithms, and/or has population frequency not consistent with disease.

Breakthrough Genomics
Classification: Benign. Review status: criteria provided, single submitter. Criteria: ACMG Guidelines, 2015. Collection method: not provided. Allele origin: germline. Inheritance: Autosomal dominant inheritance. Affected: yes.